The following is an entry in ClinVar:

NM_001360.3(DHCR7):c.987C>T (p.Pro329=)

Gene: DHCR7 (7-dehydrocholesterol reductase; minus strand). Cytogenetic location: 11q13.4.
Variant type: single nucleotide variant.
Coding change: c.987C>T on transcript NM_001360.3 (MANE Select); coding-DNA position 987, C replaced by T.
Protein change: p.Pro329=; no amino-acid change (proline 329 retained).
Molecular consequence: synonymous variant.
Genome position (GRCh38, 1-based): chr11:71,435,816, G>A on the plus strand (C>T on the coding strand, the complement: DHCR7 is on the minus strand). VCF-style: chr11-71435816-G-A. GRCh37 (hg19) VCF-style: chr11-71146862-G-A.
Other names: c.987C>T, p.Pro329= (NM_001163817.2).
Identifiers: ClinVar variation 588352 (VCV000588352.36), dbSNP rs145901607, ClinGen allele CA6162344.
Genomic context (GRCh38, chr11:71,435,816, plus strand): 5'-GTAGTAGCCCACCAGGCCCAGCAGCAGGACGCCCACGGCGTGCGGGGTGGACAGCTGCAC[G>A]GGGTGGTACACCAAGTACAGACCCTGGGGGGCGAGGGGGAAGGGGTCAAGCGGTGCTTTG-3'
Protein context (NP_001351.2, residues 319-339): TLQGLYLVYH[Pro329=]VQLSTPHAVG

ClinVar aggregate classification (germline): Conflicting classifications of pathogenicity. Review status: criteria provided, conflicting classifications (1 of 4 stars). 9 submissions from 9 submitters: Uncertain significance (1); Benign (2); Likely benign (4). 2 of the submissions do not count toward it. Last evaluated 2026-08-01.

Conditions:
Smith-Lemli-Opitz syndrome (SLOS). Also called: 7-Dehydrocholesterol reductase deficiency; POLYDACTYLY, SEX REVERSAL, RENAL HYPOPLASIA, AND UNILOBAR LUNG; RSH SYNDROME; RUTLEDGE LETHAL MULTIPLE CONGENITAL ANOMALY SYNDROME; LETHAL ACRODYSGENITAL SYNDROME. Identifiers: Orphanet 818, MedGen C0175694, MONDO:0010035, OMIM 270400.
DHCR7-related disorder. Also called: DHCR7-related condition.
Inborn genetic diseases. Identifiers: MedGen C0950123, MeSH D030342.

Allele frequency attached by ClinVar (database versions not stated): gnomAD 0.00024 and 0.00032; TOPMed 0.00051; gnomAD exomes 0.00077; ExAC 0.00079; 1000 Genomes Project 30x 0.00109; 1000 Genomes Project 0.00120.

Submissions (9):

CeGaT Center for Human Genetics Tuebingen
Classification: Likely benign. Last evaluated: 2026-08-01. Review status: criteria provided, single submitter. Criteria: CeGaT Center For Human Genetics Tuebingen Variant Classification Criteria Version 2. Collection method: clinical testing. Allele origin: germline. Affected: yes. Observed: 2 variant alleles.
Comment: DHCR7: PM5, PP3, BS1

Labcorp Genetics (formerly Invitae), Labcorp
Classification: Benign for Smith-Lemli-Opitz syndrome. Last evaluated: 2026-01-28. Review status: criteria provided, single submitter. Criteria: Invitae Variant Classification Sherloc (09022015). Collection method: clinical testing. Allele origin: germline.

Blueprint Genetics
Classification: Likely benign. Last evaluated: 2024-08-26. Review status: criteria provided, single submitter. Criteria: ACMG Guidelines, 2015. Collection method: clinical testing. Allele origin: germline.

GeneDx
Classification: Likely benign. Last evaluated: 2021-03-18. Review status: criteria provided, single submitter. Criteria: GeneDx Variant Classification Process June 2021. Collection method: clinical testing. Allele origin: germline. Affected: yes.

Illumina Laboratory Services, Illumina
Classification: Uncertain significance for Smith-Lemli-Opitz syndrome. Last evaluated: 2018-01-12. Review status: criteria provided, single submitter. Criteria: ICSL Variant Classification Criteria 13 December 2019. Collection method: clinical testing. Allele origin: germline.

Eurofins Ntd Llc (ga)
Classification: Benign. Last evaluated: 2017-12-05. Review status: criteria provided, single submitter. Criteria: EGL Classification Definitions 2015. Collection method: clinical testing. Allele origin: germline. Observed: 2 variant alleles, 2 heterozygotes.

Ambry Genetics
Classification: Likely benign for Inborn genetic diseases. Last evaluated: 2016-10-18. Review status: criteria provided, single submitter. Criteria: Ambry Variant Classification Scheme 2023. Collection method: clinical testing. Allele origin: germline.

PreventionGenetics, part of Exact Sciences
Classification: Benign for DHCR7-related condition. Last evaluated: 2022-04-06. Review status: no assertion criteria provided. Collection method: clinical testing. Allele origin: germline. Not counted in ClinVar's aggregate classification.
Comment: This variant is classified as benign based on ACMG/AMP sequence variant interpretation guidelines (Richards et al. 2015 PMID: 25741868, with internal and published modifications).

Natera, Inc.
Classification: Benign for Smith-Lemli-Opitz syndrome. Last evaluated: 2020-06-01. Review status: no assertion criteria provided. Collection method: clinical testing. Allele origin: germline. Not counted in ClinVar's aggregate classification.